The following is an entry in ClinVar:

ClinVar aggregate classification (germline): Uncertain significance (1 of 4 stars; one submission).

Submission:

Labcorp Genetics (formerly Invitae), Labcorp
Classification: Uncertain significance. Last evaluated: 2025-10-03. Review status: criteria provided, single submitter. Criteria: Invitae Variant Classification Sherloc (09022015). Collection method: clinical testing. Allele origin: germline.
Comment: This sequence change replaces glycine, which is neutral and non-polar, with cysteine, which is neutral and slightly polar, at codon 199 of the CTF1 protein (p.Gly199Cys). This variant is not present in population databases (gnomAD no frequency). This variant has not been reported in the literature in individuals affected with CTF1-related conditions. An algorithm developed to predict the effect of missense changes on protein structure and function (PolyPhen-2) suggests that this variant is likely to be disruptive. In summary, the available evidence is currently insufficient to determine the role of this variant in disease. Therefore, it has been classified as a Variant of Uncertain Significance.

NM_001330.5(CTF1):c.595G>T (p.Gly199Cys)

Gene: CTF1 (cardiotrophin 1; plus strand). Cytogenetic location: 16p11.2.
Variant type: single nucleotide variant.
Coding change: c.595G>T on transcript NM_001330.5 (MANE Select); coding-DNA position 595, G replaced by T.
Protein change: p.Gly199Cys; replaces glycine 199 with cysteine.
Molecular consequence: missense variant. On other transcripts: non-coding transcript variant (1).
Genome position (GRCh38, 1-based): chr16:30,902,528, G>T. VCF-style: chr16-30902528-G-T. GRCh37 (hg19) VCF-style: chr16-30913849-G-T.
Other names: c.592G>T, p.Gly198Cys (NM_001142544.3); short protein forms G199C, G198C.
Identifiers: ClinVar variation 4782969 (VCV004782969.1).
Genomic context (GRCh38, chr16:30,902,528, plus strand): 5'-GGCCTCTACCGCGAGTGGCTGAGCCGCACCGAGGGCGACCTGGGCCAGCTGCTGCCCGGG[G>T]GCTCGGCCTGAGCGCCGCGGGGCAGCTCGCCCCGCCTCCTCCCGCTGGGTTCCGTCTCTC-3'
Protein context (NP_001321.1, residues 189-201): EGDLGQLLPG[Gly199Cys]SA